The following is an entry in ClinVar:

ClinVar aggregate classification (germline): Benign (1 of 4 stars; one submission).

Conditions:
TLR1-related disorder. Also called: TLR1-related condition.

gnomAD v4.1: 3,947 of 1,614,154 alleles (0.24%); highest among the groups gnomAD compares: African/African-American, 2.1%; 30 homozygotes.

Submission:

PreventionGenetics, part of Exact Sciences
Classification: Benign for TLR1-related condition. Last evaluated: 2026-03-12. Review status: criteria provided, single submitter. Criteria: ACMG Guidelines, 2015. Collection method: clinical testing. Allele origin: germline.
Comment: This variant is classified as benign based on ACMG/AMP sequence variant interpretation guidelines (Richards et al. 2015 PMID: 25741868, with internal and published modifications).

NM_003263.4(TLR1):c.2198C>T (p.Pro733Leu)

Gene: TLR1 (toll like receptor 1; minus strand). Cytogenetic location: 4p14.
Variant type: single nucleotide variant.
Coding change: c.2198C>T on transcript NM_003263.4 (MANE Select); coding-DNA position 2198, C replaced by T.
Protein change: p.Pro733Leu; replaces proline 733 with leucine.
Molecular consequence: missense variant.
Genome position (GRCh38, 1-based): chr4:38,796,634, G>A on the plus strand (C>T on the coding strand, the complement: TLR1 is on the minus strand). VCF-style: chr4-38796634-G-A. GRCh37 (hg19) VCF-style: chr4-38798255-G-A.
Other names: short protein forms P733L.
Identifiers: ClinVar variation 4981475 (VCV004981475.1).
Genomic context (GRCh38, chr4:38,796,634, plus strand): 5'-CTCCTGGCCATGAGACTTTTGAGCTTGTGATAACTGCTAGGAATGGAGTACTGCGGAATG[G>A]GTTCCAGCAAGATCAGGATTAAGCTATTAGATCCTTCATGAAAGAGATTGTGATGGGCAA-3'
Protein context (NP_003254.2, residues 723-743): SNSLILILLE[Pro733Leu]IPQYSIPSSY